The following is an entry in ClinVar:

NM_000062.3(SERPING1):c.881dup (p.Tyr294Ter)

Gene: SERPING1 (serpin family G member 1; plus strand). Cytogenetic location: 11q12.1.
Variant type: Duplication.
Coding change: c.881dup on transcript NM_000062.3 (MANE Select); coding-DNA position 881, one base duplicated (A; older notation c.881dupA).
Protein change: p.Tyr294Ter; replaces tyrosine 294 with a stop codon.
Molecular consequence: nonsense.
Genome position (GRCh38, 1-based): chr11:57,606,205, A duplicated. VCF-style (leftmost placement, unchanged base first): chr11-57606204-T-TA. GRCh37 (hg19) VCF-style: chr11-57373677-T-TA.
Other names: c.881dup, p.Tyr294Ter (NM_001032295.2); short protein forms Y294*.
Identifiers: ClinVar variation 4759248 (VCV004759248.1).

ClinVar aggregate classification (germline): Pathogenic (1 of 4 stars; one submission).

Conditions:
Hereditary angioedema type 1 (HAE1). Identifiers: Orphanet 100050, Orphanet 100051, Orphanet 91378, MedGen C2717906, MONDO:0015053, OMIM 106100.

Submission:

Variantyx, Inc.
Classification: Pathogenic for Hereditary angioedema type 1. Last evaluated: 2025-03-07. Review status: criteria provided, single submitter. Criteria: Variantyx Assertion Criteria 2022. Collection method: clinical testing. Allele origin: de novo. Affected: yes.
Comment: This is a nonsense variant in the SERPING1 gene (OMIM: 606860). Pathogenic variants in this gene have been associated with autosomal dominant or autosomal recessive hereditary angioedema 1. This variant introduces a premature termination codon in exon 5 out of 8. It is expected to result in loss of function, which is a known disease mechanism for SERPING1 in this disorder (PMID: 11112899, 24456027) (PVS1). This variant is absent from control populations (PM2_Supporting). This variant has not been reported in individuals with SERPING1-related disorders in the databases available for review. Based on the current evidence, this variant is classified as pathogenic for autosomal dominant or autosomal recessive hereditary angioedema 1.